The following is an entry in ClinVar:

ClinVar aggregate classification (germline): Conflicting classifications of pathogenicity. Review status: criteria provided, conflicting classifications (1 of 4 stars). 8 submissions from 7 submitters: Uncertain significance (5); Benign (3). Last evaluated 2026-02-01.

Conditions:
ALS2-related disorder. Also called: ALS2-related condition; ALS2-related disorders; ALS2-Related Spectrum Disorders. Identifiers: MedGen CN169291.
Amyotrophic lateral sclerosis (ALS). Also called: Lou Gehrig disease; Charcot disease. Identifiers: Orphanet 803, MedGen C0002736, MONDO:0004976, HP:0007354.
Hereditary spastic paraplegia. Also called: Familial spastic paraparesis. Identifiers: Orphanet 685, MedGen C0037773, MONDO:0019064. Disease mechanism: loss of function.
Amyotrophic lateral sclerosis type 2, juvenile. Also called: ALS, JUVENILE; Amyotrophic lateral sclerosis type 2. Identifiers: Orphanet 300605, MedGen C1859807, MONDO:0008780, OMIM 205100.
Infantile-onset ascending hereditary spastic paralysis (IAHSP). Also called: Infantile-Onset Ascending Hereditary Spastic Paralysis (IAHSP); Autosomal Recessive Juvenile Amyotrophic Lateral Sclerosis. Identifiers: Orphanet 293168, MedGen C2931441, MONDO:0011797, OMIM 607225. Disease mechanism: loss of function.

Allele frequency attached by ClinVar (database versions not stated): gnomAD 0.00057 and 0.00055; ESP Exome Variant Server 0.00059; TOPMed 0.00065; gnomAD exomes 0.00068 and 0.00040; 1000 Genomes Project 0.00040; 1000 Genomes Project 30x 0.00047; ExAC 0.00051.
gnomAD v4.1: 708 of 1,614,148 alleles (0.044%); highest among the groups gnomAD compares: Middle Eastern, 0.049%; 3 homozygotes.

Submissions (8):

Labcorp Genetics (formerly Invitae), Labcorp
Classification: Benign for Infantile-onset ascending hereditary spastic paralysis. Last evaluated: 2026-02-01. Review status: criteria provided, single submitter. Criteria: Invitae Variant Classification Sherloc (09022015). Collection method: clinical testing. Allele origin: germline.

Mayo Clinic Laboratories, Mayo Clinic
Classification: Benign. Last evaluated: 2024-11-26. Review status: criteria provided, single submitter. Criteria: ACMG Guidelines, 2015. Collection method: clinical testing. Allele origin: germline. Observed: 3 variant alleles.
Comment: BA1

Athena Diagnostics
Classification: Benign. Last evaluated: 2024-06-06. Review status: criteria provided, single submitter. Criteria: Athena Diagnostics Criteria. Collection method: clinical testing. Allele origin: unknown.

GeneDx
Classification: Uncertain significance. Last evaluated: 2020-11-10. Review status: criteria provided, single submitter. Criteria: GeneDx Variant Classification Process June 2021. Collection method: clinical testing. Allele origin: germline. Affected: yes.
Comment: Reported in an individual with clinical diagnosis of hereditary spastic paraplegia (Morais et al., 2017) In silico analysis supports that this missense variant has a deleterious effect on protein structure/function This variant is associated with the following publications: (PMID: 28832565, 32397312)

UM ALS/MND Lab, University Of Malta
Classification: Uncertain significance for Amyotrophic lateral sclerosis. Last evaluated: 2020-07-31. Review status: criteria provided, single submitter. Criteria: ACMG Guidelines, 2015. Collection method: case-control. Allele origin: unknown. Inheritance: Autosomal dominant inheritance. Affected: yes. Observed: 1 heterozygote.
Comment: The frequency of the Gly1069Glu variant in the ALS2 gene was 0.000376 for ALS cases and 0 for controls in the Project MinE ALS case-control dataset, with this supporting evidence favouring its classification as pathogenic.

Illumina Laboratory Services, Illumina
Classification: Uncertain significance for Amyotrophic lateral sclerosis type 2. Last evaluated: 2018-01-12. Review status: criteria provided, single submitter. Criteria: ICSL Variant Classification Criteria 13 December 2019. Collection method: clinical testing. Allele origin: germline.

Illumina Laboratory Services, Illumina
Classification: Uncertain significance for ALS2-Related Disorders. Last evaluated: 2018-01-12. Review status: criteria provided, single submitter. Criteria: ICSL Variant Classification Criteria 13 December 2019. Collection method: clinical testing. Allele origin: germline.

Unit for Genetic & Epidemiological Research on Neurological Disorders, Instituto de Investigação e Inovação em Saúde
Classification: Uncertain significance for Hereditary spastic paraplegia. Last evaluated: 2017-03-07. Review status: criteria provided, single submitter. Criteria: Morais et al. (Eur J Hum Genet. 2017). Collection method: research. Allele origin: unknown. Affected: yes.

Literature cited by the submitters: PubMed 28832565 (cited by Mayo Clinic Laboratories, Mayo Clinic and Athena Diagnostics); PubMed 32397312 (cited by Mayo Clinic Laboratories, Mayo Clinic and Athena Diagnostics); PubMed 33414559 (cited by Mayo Clinic Laboratories, Mayo Clinic and Athena Diagnostics); PubMed 33770234 (cited by Mayo Clinic Laboratories, Mayo Clinic and Athena Diagnostics); PubMed 35896380 (cited by Mayo Clinic Laboratories, Mayo Clinic and Athena Diagnostics).

NM_020919.4(ALS2):c.3206G>A (p.Gly1069Glu)

Gene: ALS2 (alsin Rho guanine nucleotide exchange factor ALS2; minus strand). Cytogenetic location: 2q33.1.
Variant type: single nucleotide variant.
Coding change: c.3206G>A on transcript NM_020919.4 (MANE Select); coding-DNA position 3206, G replaced by A.
Protein change: p.Gly1069Glu; replaces glycine 1069 with glutamic acid.
Molecular consequence: missense variant.
Genome position (GRCh38, 1-based): chr2:201,726,526, C>T on the plus strand (G>A on the coding strand, the complement: ALS2 is on the minus strand). VCF-style: chr2-201726526-C-T. GRCh37 (hg19) VCF-style: chr2-202591249-C-T.
Other names: p.Gly1069Glu; short protein forms G1069E.
Identifiers: ClinVar variation 333592 (VCV000333592.23), dbSNP rs200706696, ClinGen allele CA2057955.